The following is an entry in ClinVar:

ClinVar aggregate classification (germline): Benign/Likely benign. Review status: criteria provided, multiple submitters, no conflicts (2 of 4 stars). 5 submissions from 5 submitters: Benign (1); Likely benign (4). Last evaluated 2026-10-01.

Conditions:
Miller syndrome (POADS). Also called: Genee-Wiedemann acrofacial dysostosis; GENEE-WIEDEMANN SYNDROME. Identifiers: Orphanet 246, MedGen C0265257, MONDO:0009903, OMIM 263750.

Allele frequency attached by ClinVar (database versions not stated): 1000 Genomes Project 0.00120; 1000 Genomes Project 30x 0.00125; gnomAD 0.00149 and 0.00163; ESP Exome Variant Server 0.00157; TOPMed 0.00171.
gnomAD v4.1: 626 of 1,614,170 alleles (0.039%); highest among the groups gnomAD compares: African/African-American, 0.52%; 3 homozygotes.

Submissions (5):

CeGaT Center for Human Genetics Tuebingen
Classification: Likely benign. Last evaluated: 2026-10-01. Review status: criteria provided, single submitter. Criteria: CeGaT Center For Human Genetics Tuebingen Variant Classification Criteria Version 2. Collection method: clinical testing. Allele origin: germline. Affected: yes. Observed: 3 variant alleles.
Comment: DHODH: BP4, BP7

Labcorp Genetics (formerly Invitae), Labcorp
Classification: Benign. Last evaluated: 2026-01-07. Review status: criteria provided, single submitter. Criteria: Invitae Variant Classification Sherloc (09022015). Collection method: clinical testing. Allele origin: germline.

Blueprint Genetics
Classification: Likely benign. Last evaluated: 2024-11-01. Review status: criteria provided, single submitter. Criteria: ACMG Guidelines, 2015. Collection method: clinical testing. Allele origin: germline.

Illumina Laboratory Services, Illumina
Classification: Likely benign for Miller syndrome. Last evaluated: 2018-01-13. Review status: criteria provided, single submitter. Criteria: ICSL Variant Classification Criteria 13 December 2019. Collection method: clinical testing. Allele origin: germline.
Comment: This variant was observed in the ICSL laboratory as part of a predisposition screen in an ostensibly healthy population. It had not been previously curated by ICSL or reported in the Human Gene Mutation Database (HGMD: prior to June 1st, 2018), and was therefore a candidate for classification through an automated scoring system. Utilizing variant allele frequency, disease prevalence and penetrance estimates, and inheritance mode, an automated score was calculated to assess if this variant is too frequent to cause the disease. Based on the score and internal cut-off values, a variant classified as likely benign is not then subjected to further curation. The score for this variant resulted in a classification of likely benign for this disease.

Breakthrough Genomics
Classification: Likely benign. Review status: criteria provided, single submitter. Criteria: ACMG Guidelines, 2015. Collection method: not provided. Allele origin: germline. Inheritance: Autosomal recessive inheritance. Affected: yes.

NM_001361.5(DHODH):c.72C>T (p.Phe24=)

Gene: DHODH (dihydroorotate dehydrogenase (quinone); plus strand). Cytogenetic location: 16q22.2.
Variant type: single nucleotide variant.
Coding change: c.72C>T on transcript NM_001361.5 (MANE Select); coding-DNA position 72, C replaced by T.
Protein change: p.Phe24=; no amino-acid change (phenylalanine 24 retained).
Molecular consequence: synonymous variant.
Genome position (GRCh38, 1-based): chr16:72,012,100, C>T. VCF-style: chr16-72012100-C-T. GRCh37 (hg19) VCF-style: chr16-72045999-C-T.
Identifiers: ClinVar variation 320419 (VCV000320419.27), dbSNP rs61753576, ClinGen allele CA8158509.